The following is an entry in ClinVar:

ClinVar aggregate classification (germline): Uncertain significance. Review status: criteria provided, multiple submitters, no conflicts (2 of 4 stars). 2 submissions from 2 submitters: Uncertain significance (2). Last evaluated 2025-06-23.

Allele frequency attached by ClinVar (database versions not stated): ExAC 0.00001; gnomAD exomes 0.00002; TOPMed 0.00003; gnomAD 0.00004.
gnomAD v4.1: 33 of 1,611,322 alleles (0.002%); highest among the groups gnomAD compares: Middle Eastern, 0.033%; no homozygotes.

Submissions (2):

Labcorp Genetics (formerly Invitae), Labcorp
Classification: Uncertain significance. Last evaluated: 2025-06-23. Review status: criteria provided, single submitter. Criteria: Invitae Variant Classification Sherloc (09022015). Collection method: clinical testing. Allele origin: germline.
Comment: This sequence change replaces threonine, which is neutral and polar, with isoleucine, which is neutral and non-polar, at codon 1103 of the ERBB2 protein (p.Thr1103Ile). This variant is present in population databases (rs759923732, gnomAD 0.004%). This variant has not been reported in the literature in individuals affected with ERBB2-related conditions. ClinVar contains an entry for this variant (Variation ID: 1040825). An algorithm developed to predict the effect of missense changes on protein structure and function (PolyPhen-2) suggests that this variant is likely to be tolerated. In summary, the available evidence is currently insufficient to determine the role of this variant in disease. Therefore, it has been classified as a Variant of Uncertain Significance.

Ambry Genetics
Classification: Uncertain significance. Last evaluated: 2024-06-04. Review status: criteria provided, single submitter. Criteria: Ambry Variant Classification Scheme 2023. Collection method: clinical testing. Allele origin: germline.

NM_004448.4(ERBB2):c.3308C>T (p.Thr1103Ile)

Gene: ERBB2 (erb-b2 receptor tyrosine kinase 2; plus strand). Cytogenetic location: 17q12.
Variant type: single nucleotide variant.
Coding change: c.3308C>T on transcript NM_004448.4 (MANE Select); coding-DNA position 3308, C replaced by T.
Protein change: p.Thr1103Ile; replaces threonine 1103 with isoleucine.
Molecular consequence: missense variant. On other transcripts: non-coding transcript variant (1), intron variant (2).
Genome position (GRCh38, 1-based): chr17:39,727,443, C>T. VCF-style: chr17-39727443-C-T. GRCh37 (hg19) VCF-style: chr17-37883696-C-T.
Other names: c.3308C>T (NM_004448.2); c.3218C>T, p.Thr1073Ile (NM_001005862.3, NM_001382782.1, NM_001382783.1); c.3263C>T, p.Thr1088Ile (NM_001289936.2); c.3425C>T, p.Thr1142Ile (NM_001382784.1); c.3410C>T, p.Thr1137Ile (NM_001382785.1); c.3389C>T, p.Thr1130Ile (NM_001382786.1); c.3383C>T, p.Thr1128Ile (NM_001382787.1); c.3338C>T, p.Thr1113Ile (NM_001382788.1); and 18 more; short protein forms T1041I, T1073I, T1091I, T1100I, T1113I, T1137I, T1142I, T1035I.
Identifiers: ClinVar variation 1040825 (VCV001040825.7), dbSNP rs759923732, ClinGen allele CA8534521.